The following is an entry in ClinVar:

ClinVar aggregate classification (germline): Pathogenic (1 of 4 stars; one submission).

Conditions:
X-linked agammaglobulinemia with growth hormone deficiency (IGHD3). Also called: Isolated growth hormone deficiency type 3; Growth hormone deficiency with hypogammaglobulinemia; AGAMMAGLOBULINEMIA AND ISOLATED GROWTH HORMONE DEFICIENCY, X-LINKED; FLEISHER SYNDROME; HYPOGAMMAGLOBULINEMIA AND ISOLATED GROWTH HORMONE DEFICIENCY, X-LINKED; IGHD III. Identifiers: Orphanet 231692, Orphanet 631, MedGen C0472813, MONDO:0010615, OMIM 307200.

Submission:

Labcorp Genetics (formerly Invitae), Labcorp
Classification: Pathogenic for X-linked agammaglobulinemia with growth hormone deficiency. Last evaluated: 2024-07-23. Review status: criteria provided, single submitter. Criteria: Invitae Variant Classification Sherloc (09022015). Collection method: clinical testing. Allele origin: germline.
Comment: This sequence change creates a premature translational stop signal (p.Gln78Phefs*42) in the BTK gene. It is expected to result in an absent or disrupted protein product. Loss-of-function variants in BTK are known to be pathogenic (PMID: 15661032, 16862044, 19419768). This variant is not present in population databases (gnomAD no frequency). This premature translational stop signal has been observed in individual(s) with agammaglobulinemia (PMID: 9545398). For these reasons, this variant has been classified as Pathogenic.

Literature cited by the submitters: PubMed 15661032; PubMed 16862044; PubMed 19419768; PubMed 9545398.

NM_000061.3(BTK):c.232_235del (p.Gln78fs)

Gene: BTK (Bruton tyrosine kinase; minus strand). Cytogenetic location: Xq22.1.
Variant type: Deletion.
Coding change: c.232_235del on transcript NM_000061.3 (MANE Select); coding-DNA positions 232 to 235, 4 bases deleted (CAGA; older notation c.232_235delCAGA).
Protein change: p.Gln78fs; shifts the reading frame from glutamine 78.
Molecular consequence: frameshift variant.
Genome position (GRCh38, 1-based): chrX:101,374,541-101,374,544, TCTG deleted on the plus strand (CAGA on the coding strand, the reverse complement: BTK is on the minus strand); deleting any 4 consecutive bases within chrX:101,374,541-101,374,547 gives the same sequence; the c. name uses the placement nearest the transcript's 3' end. VCF-style (leftmost placement, unchanged base first): chrX-101374540-ATCTG-A. GRCh37 (hg19) VCF-style: chrX-100629528-ATCTG-A.
Other names: c.334_337del, p.Gln112fs (NM_001287344.2); c.232_235del, p.Gln78fs (NM_001287345.2); short protein forms Q112fs, Q78fs.
Identifiers: ClinVar variation 3724315 (VCV003724315.2).
Genomic context (GRCh38, chrX:101,374,540, plus strand): 5'-GTTGCAAATTTCTTCAAATCTGCTGTTCCCCATCTCAGACATTGGTCTCTTCTTACCGGA[ATCTG>A]TCTTTCTGGAGGAGGATTTTTTTCAGGAACCACTGTTTCAACACAAGTGATCTTCTCAAC-3'